The following is an entry in ClinVar:

ClinVar aggregate classification (germline): Uncertain significance (1 of 4 stars; one submission).

Conditions:
Multiple endocrine neoplasia, type 1 (MEN1). Also called: Endocrine adenomatosis multiple; MEN 1; MEA I; MEN I; WERMER SYNDROME. Identifiers: Orphanet 652, MedGen C0025267, MeSH D018761, MONDO:0007540, OMIM 131100.

Submission:

Color Diagnostics, LLC DBA Color Health
Classification: Uncertain significance for Multiple endocrine neoplasia, type 1. Last evaluated: 2025-07-29. Review status: criteria provided, single submitter. Criteria: ACMG Guidelines, 2015. Collection method: clinical testing. Allele origin: germline.
Comment: This missense variant replaces glutamic acid with lysine at codon 474 of the MEN1 protein. Computational prediction is inconclusive regarding the impact of this variant on protein structure and function. To our knowledge, functional studies have not been reported for this variant. This variant has not been reported in individuals affected with MEN1-related disorders in the literature. This variant has been identified in 1/226108 chromosomes in the general population by the Genome Aggregation Database (gnomAD). The available evidence is insufficient to determine the role of this variant in disease conclusively. Therefore, this variant is classified as a Variant of Uncertain Significance.

NM_001370259.2(MEN1):c.1420G>A (p.Glu474Lys)

Gene: MEN1 (menin 1; minus strand). Cytogenetic location: 11q13.1.
Variant type: single nucleotide variant.
Coding change: c.1420G>A on transcript NM_001370259.2 (MANE Select); coding-DNA position 1420, G replaced by A.
Protein change: p.Glu474Lys; replaces glutamic acid 474 with lysine.
Molecular consequence: missense variant. On other transcripts: non-coding transcript variant (4).
Genome position (GRCh38, 1-based): chr11:64,804,747, C>T on the plus strand (G>A on the coding strand, the complement: MEN1 is on the minus strand). VCF-style: chr11-64804747-C-T. GRCh37 (hg19) VCF-style: chr11-64572219-C-T.
Other names: c.1435G>A, p.Glu479Lys (NM_000244.4, NM_130800.3, NM_130801.3 and 4 more transcripts); c.1546G>A, p.Glu516Lys (NM_001370251.2, NM_001407142.1, NM_001407143.1 and 1 more transcripts); c.1420G>A, p.Glu474Lys (NM_001370260.2, NM_001370261.2, NM_001407146.1 and 2 more transcripts); c.1315G>A, p.Glu439Lys (NM_001370262.2, NM_001370263.2, NM_001407148.1 and 1 more transcripts); c.1561G>A, p.Glu521Lys (NM_001407150.1); c.1441G>A, p.Glu481Lys (NM_001407151.1); c.1255G>A, p.Glu419Lys (NM_001407152.1); short protein forms E419K, E439K, E474K, E479K, E481K, E516K, E521K.
Identifiers: ClinVar variation 4758521 (VCV004758521.1).